The following is an entry in ClinVar:

NM_001849.4(COL6A2):c.2995G>A (p.Glu999Lys)

Gene: COL6A2 (collagen type VI alpha 2 chain; plus strand). Cytogenetic location: 21q22.3.
Variant type: single nucleotide variant.
Coding change: c.2995G>A on transcript NM_001849.4 (MANE Select); coding-DNA position 2995, G replaced by A.
Protein change: p.Glu999Lys; replaces glutamic acid 999 with lysine.
Molecular consequence: missense variant.
Genome position (GRCh38, 1-based): chr21:46,132,487, G>A. VCF-style: chr21-46132487-G-A. GRCh37 (hg19) VCF-style: chr21-47552401-G-A.
Other names: short protein forms E999K.
Identifiers: ClinVar variation 289754 (VCV000289754.22), dbSNP rs142296092, ClinGen allele CA10073130.

ClinVar aggregate classification (germline): Conflicting classifications of pathogenicity. Review status: criteria provided, conflicting classifications (1 of 4 stars). 4 submissions from 4 submitters: Uncertain significance (3); Likely benign (1). Last evaluated 2025-11-01.

Conditions:
Inborn genetic diseases. Identifiers: MedGen C0950123, MeSH D030342.
Bethlem myopathy 1A. Also called: Bethlem Muscular Dystrophy; MYOPATHY, BENIGN CONGENITAL, WITH CONTRACTURES; Bethlem myopathy 1. Identifiers: Orphanet 610, MedGen CN029274, MONDO:0024530, OMIM 158810.

Allele frequency attached by ClinVar (database versions not stated): gnomAD exomes 0.00007 and 0.00014; ExAC 0.00018; gnomAD 0.00030 and 0.00035; TOPMed 0.00038; ESP Exome Variant Server 0.00054.
gnomAD v4.1: 148 of 1,607,296 alleles (0.0092%); highest among the groups gnomAD compares: African/African-American, 0.11%; no homozygotes.

Submissions (4):

Labcorp Genetics (formerly Invitae), Labcorp
Classification: Likely benign for Bethlem myopathy 1A. Last evaluated: 2025-11-01. Review status: criteria provided, single submitter. Criteria: Invitae Variant Classification Sherloc (09022015). Collection method: clinical testing. Allele origin: germline.

Ambry Genetics
Classification: Uncertain significance for Inborn genetic diseases. Last evaluated: 2025-01-01. Review status: criteria provided, single submitter. Criteria: Ambry Variant Classification Scheme 2023. Collection method: clinical testing. Allele origin: germline.

GeneDx
Classification: Uncertain significance. Last evaluated: 2024-10-02. Review status: criteria provided, single submitter. Criteria: GeneDx Variant Classification Process June 2021. Collection method: clinical testing. Allele origin: germline. Affected: yes.
Comment: In silico analysis indicates that this missense variant does not alter protein structure/function; Has not been previously published as pathogenic or benign to our knowledge

Eurofins Ntd Llc (ga)
Classification: Uncertain significance. Last evaluated: 2016-07-27. Review status: criteria provided, single submitter. Criteria: EGL Classification Definitions 2015. Collection method: clinical testing. Allele origin: germline. Observed: 2 variant alleles, 2 heterozygotes.